The following is an entry in ClinVar:

ClinVar aggregate classification (germline): Uncertain significance (1 of 4 stars; one submission).

gnomAD v4.1: 15 of 1,613,224 alleles (0.00093%); highest among the groups gnomAD compares: South Asian, 0.015%; no homozygotes.

Submission:

Dasa
Classification: Uncertain significance. Last evaluated: 2025-12-22. Review status: criteria provided, single submitter. Criteria: DASA Assertion Criteria. Collection method: clinical testing. Allele origin: germline.
Comment: NM_003036.4(SKI):c.1095+4C>T is a splice-region variant. This variant is rare in population databases. The currently available literature and clinical evidence are not sufficient to establish a definitive association between this variant and the reported condition. Therefore, this variant is classified as a variant of uncertain significance.

NM_003036.4(SKI):c.1095+4C>T

Gene: SKI (SKI proto-oncogene; plus strand). Cytogenetic location: 1p36.32.
Variant type: single nucleotide variant.
Coding change: c.1095+4C>T on transcript NM_003036.4 (MANE Select); 4 bases into the intron after coding-DNA position 1095, C replaced by T.
Molecular consequence: intron variant.
Genome position (GRCh38, 1-based): chr1:2,303,107, C>T. VCF-style: chr1-2303107-C-T. GRCh37 (hg19) VCF-style: chr1-2234546-C-T.
Identifiers: ClinVar variation 4885146 (VCV004885146.2).